The following is an entry in ClinVar:

ClinVar aggregate classification (germline): Likely benign (1 of 4 stars; one submission).

gnomAD v4.1: 31 of 1,602,124 alleles (0.0019%); highest among the groups gnomAD compares: East Asian, 0.018%; no homozygotes.

Submission:

CeGaT Center for Human Genetics Tuebingen
Classification: Likely benign. Last evaluated: 2026-05-01. Review status: criteria provided, single submitter. Criteria: CeGaT Center For Human Genetics Tuebingen Variant Classification Criteria Version 2. Collection method: clinical testing. Allele origin: germline. Affected: yes. Observed: 2 variant alleles.
Comment: TSC2: BP4, BP7

NM_000548.5(TSC2):c.3883+38G>A

Gene: TSC2 (TSC complex subunit 2; plus strand). Cytogenetic location: 16p13.3.
Variant type: single nucleotide variant.
Coding change: c.3883+38G>A on transcript NM_000548.5 (MANE Select); 38 bases into the intron after coding-DNA position 3883, G replaced by A.
Molecular consequence: intron variant. On other transcripts: synonymous variant (1).
Genome position (GRCh38, 1-based): chr16:2,082,542, G>A. VCF-style: chr16-2082542-G-A. GRCh37 (hg19) VCF-style: chr16-2132543-G-A.
Other names: c.3789G>A, p.Ala1263= (NM_001406665.1); c.2341+744G>A (NM_001406693.1, NM_001406692.1, NM_001406694.1); c.3775+744G>A (NM_001406667.1); c.3772+744G>A (NM_001406668.1); c.3283+38G>A (NM_001406680.1); c.3214+744G>A (NM_001406683.1, NM_001406682.1); c.3082+744G>A (NM_001406687.1, NM_001406688.1); c.2470+744G>A (NM_001406689.1); and 26 more.
Identifiers: ClinVar variation 4084647 (VCV004084647.8).